The following is an entry in ClinVar:

ClinVar aggregate classification (germline): Conflicting classifications of pathogenicity. Review status: criteria provided, conflicting classifications (1 of 4 stars). 2 submissions from 2 submitters: Likely pathogenic (1); Uncertain significance (1). Last evaluated 2025-12-12.

Conditions:
Cardiovascular phenotype. Identifiers: MedGen CN230736.
Hypertrophic cardiomyopathy. Also called: HYPERTROPHIC MYOCARDIOPATHY. Identifiers: Orphanet 217569, MedGen C0007194, MeSH D002312, MONDO:0005045, HP:0001639.

Submissions (2):

Ambry Genetics
Classification: Likely pathogenic for Cardiovascular phenotype. Last evaluated: 2025-12-12. Review status: criteria provided, single submitter. Criteria: Ambry Variant Classification Scheme 2023. Collection method: clinical testing. Allele origin: germline.
Comment: The p.I913S variant (also known as c.2738T>G), located in coding exon 21 of the MYH7 gene, results from a T to G substitution at nucleotide position 2738. The isoleucine at codon 913 is replaced by serine, an amino acid with dissimilar properties. Another alteration at the same codon, p.I913T (c.2738T>C), has been detected in hypertrophic cardiomyopathy (HCM) cohorts (Wang J et al. Eur J Heart Fail, 2014 Sep;16:950-7; Walsh R et al. Genet Med, 2017 Feb;19:192-203). This alteration is located in the myosin head domain, which contains a statistically significant clustering of pathogenic missense variants (Homburger JR et al. Proc Natl Acad Sci U S A, 2016 06;113:6701-6; Walsh R et al. Genet Med, 2017 02;19:192-203; Ambry internal data). This variant is considered to be rare based on population cohorts in the Genome Aggregation Database (gnomAD). This amino acid position is highly conserved in available vertebrate species. In addition, this alteration is predicted to be deleterious by in silico analysis. Based on the majority of available evidence to date, this variant is likely to be pathogenic.

Labcorp Genetics (formerly Invitae), Labcorp
Classification: Uncertain significance for Hypertrophic cardiomyopathy. Last evaluated: 2024-02-13. Review status: criteria provided, single submitter. Criteria: Invitae Variant Classification Sherloc (09022015). Collection method: clinical testing. Allele origin: germline.
Comment: This sequence change replaces isoleucine, which is neutral and non-polar, with serine, which is neutral and polar, at codon 913 of the MYH7 protein (p.Ile913Ser). This variant is not present in population databases (gnomAD no frequency). This variant has not been reported in the literature in individuals affected with MYH7-related conditions. ClinVar contains an entry for this variant (Variation ID: 576107). Advanced modeling of protein sequence and biophysical properties (such as structural, functional, and spatial information, amino acid conservation, physicochemical variation, residue mobility, and thermodynamic stability) performed at Invitae indicates that this missense variant is expected to disrupt MYH7 protein function with a positive predictive value of 95%. In summary, the available evidence is currently insufficient to determine the role of this variant in disease. Therefore, it has been classified as a Variant of Uncertain Significance.

NM_000257.4(MYH7):c.2738T>G (p.Ile913Ser)

Gene: MYH7 (myosin heavy chain 7; minus strand). Cytogenetic location: 14q11.2.
Variant type: single nucleotide variant.
Coding change: c.2738T>G on transcript NM_000257.4 (MANE Select); coding-DNA position 2738, T replaced by G.
Protein change: p.Ile913Ser; replaces isoleucine 913 with serine.
Molecular consequence: missense variant.
Genome position (GRCh38, 1-based): chr14:23,424,091, A>C on the plus strand (T>G on the coding strand, the complement: MYH7 is on the minus strand). VCF-style: chr14-23424091-A-C. GRCh37 (hg19) VCF-style: chr14-23893300-A-C.
Other names: short protein forms I913S.
Identifiers: ClinVar variation 576107 (VCV000576107.12), dbSNP rs1360649783, ClinGen allele CA389047218.
Genomic context (GRCh38, chr14:23,424,091, plus strand): 5'-TTCATCTCCTCCTCATCCTCCAGCCTCTCGTTCATCTCCTTCACCTTGGCCTCCAGCTGA[A>C]TCTTGTTTTTGATCAGCTGATCACAGCGCTCCTCAGCATCTGCCAGGTTGTCTTGTTCCT-3'
Protein context (NP_000248.2, residues 903-923): ERCDQLIKNK[Ile913Ser]QLEAKVKEMN